The following is an entry in ClinVar:

NM_001330260.2(SCN8A):c.1655G>T (p.Gly552Val)

Gene: SCN8A (sodium voltage-gated channel alpha subunit 8; plus strand). Cytogenetic location: 12q13.13.
Variant type: single nucleotide variant.
Coding change: c.1655G>T on transcript NM_001330260.2 (MANE Select); coding-DNA position 1655, G replaced by T.
Protein change: p.Gly552Val; replaces glycine 552 with valine.
Molecular consequence: missense variant.
Genome position (GRCh38, 1-based): chr12:51,721,565, G>T. VCF-style: chr12-51721565-G-T. GRCh37 (hg19) VCF-style: chr12-52115349-G-T.
Other names: c.1655G>T, p.Gly552Val (NM_001177984.3, NM_001369788.1, NM_014191.4); short protein forms G552V.
Identifiers: ClinVar variation 4768827 (VCV004768827.1).

ClinVar aggregate classification (germline): Uncertain significance (1 of 4 stars; one submission).

Conditions:
Early-infantile DEE. Also called: Ohtahara syndrome; Early infantile epileptic encephalopathy with suppression bursts; Early infantile epileptic encephalopathy. Identifiers: Orphanet 1934, MedGen C0393706, MONDO:0800491.

gnomAD v4.1: 6 of 1,603,758 alleles (0.00037%); highest among the groups gnomAD compares: East Asian, 0.0022%; no homozygotes.

Submission:

Labcorp Genetics (formerly Invitae), Labcorp
Classification: Uncertain significance for Early-infantile DEE. Last evaluated: 2025-06-19. Review status: criteria provided, single submitter. Criteria: Invitae Variant Classification Sherloc (09022015). Collection method: clinical testing. Allele origin: germline.
Comment: This sequence change replaces glycine, which is neutral and non-polar, with valine, which is neutral and non-polar, at codon 552 of the SCN8A protein (p.Gly552Val). This variant is present in population databases (no rsID available, gnomAD 0.06%). This variant has not been reported in the literature in individuals affected with SCN8A-related conditions. Invitae Evidence Modeling of protein sequence and biophysical properties (such as structural, functional, and spatial information, amino acid conservation, physicochemical variation, residue mobility, and thermodynamic stability) has been performed for this missense variant. However, the output from this modeling did not meet the statistical confidence thresholds required to predict the impact of this variant on SCN8A protein function. In summary, the available evidence is currently insufficient to determine the role of this variant in disease. Therefore, it has been classified as a Variant of Uncertain Significance.